The following is an entry in ClinVar:

ClinVar aggregate classification (germline): Likely benign (1 of 4 stars; one submission).

Conditions:
TSHZ1-related disorder. Also called: TSHZ1-related condition.

gnomAD v4.1: 18 of 1,613,736 alleles (0.0011%); highest among the groups gnomAD compares: Admixed American, 0.028%; no homozygotes.

Submission:

PreventionGenetics, part of Exact Sciences
Classification: Likely benign for TSHZ1-related condition. Last evaluated: 2026-07-22. Review status: criteria provided, single submitter. Criteria: ACMG Guidelines, 2015. Collection method: clinical testing. Allele origin: germline.
Comment: This variant is classified as likely benign based on ACMG/AMP sequence variant interpretation guidelines (Richards et al. 2015 PMID: 25741868, with internal and published modifications).

NM_001308210.2(TSHZ1):c.1320C>T (p.His440=)

Genes: TSHZ1 (teashirt zinc finger homeobox 1; plus strand), LOC125371439 (Sharpr-MPRA regulatory region 9768; plus strand). Cytogenetic location: 18q22.3.
Variant type: single nucleotide variant.
Coding change: c.1320C>T on transcript NM_001308210.2 (MANE Select); coding-DNA position 1320, C replaced by T.
Protein change: p.His440=; no amino-acid change (histidine 440 retained).
Molecular consequence: synonymous variant.
Genome position (GRCh38, 1-based): chr18:75,286,727, C>T. VCF-style: chr18-75286727-C-T. GRCh37 (hg19) VCF-style: chr18-72998682-C-T.
Other names: c.1185C>T, p.His395= (NM_005786.6).
Identifiers: ClinVar variation 4980234 (VCV004980234.1).